The following is an entry in ClinVar:

NM_004329.3(BMPR1A):c.452T>G (p.Ile151Ser)

Gene: BMPR1A (bone morphogenetic protein receptor type 1A; plus strand). Cytogenetic location: 10q23.2.
Variant type: single nucleotide variant.
Coding change: c.452T>G on transcript NM_004329.3 (MANE Select); coding-DNA position 452, T replaced by G.
Protein change: p.Ile151Ser; replaces isoleucine 151 with serine.
Molecular consequence: missense variant. On other transcripts: non-coding transcript variant (3), intron variant (1).
Genome position (GRCh38, 1-based): chr10:86,900,048, T>G. VCF-style: chr10-86900048-T-G. GRCh37 (hg19) VCF-style: chr10-88659805-T-G.
Other names: c.452T>G, p.Ile151Ser (NM_001406559.1, NM_001406560.1, NM_001406561.1 and 22 more transcripts); c.368T>G, p.Ile123Ser (NM_001406584.1, NM_001406585.1, NM_001406586.1 and 2 more transcripts); c.333+7819T>G (NM_001406589.1); short protein forms I123S, I151S.
Identifiers: ClinVar variation 2565021 (VCV002565021.3), dbSNP rs1554889010, ClinGen allele CA377450224.

ClinVar aggregate classification (germline): Uncertain significance. Review status: criteria provided, multiple submitters, no conflicts (2 of 4 stars). 2 submissions from 2 submitters: Uncertain significance (2). Last evaluated 2025-04-24.

Conditions:
Hereditary cancer-predisposing syndrome. Also called: Neoplastic Syndromes, Hereditary; Hereditary Cancer Syndrome; Tumor predisposition; Hereditary neoplastic syndrome. Identifiers: Orphanet 140162, MedGen C0027672, MeSH D009386, MONDO:0015356.
Juvenile polyposis syndrome (JPS). Identifiers: Orphanet 2929, MedGen C0345893, MONDO:0017380, OMIM 174900.

Submissions (2):

Labcorp Genetics (formerly Invitae), Labcorp
Classification: Uncertain significance for Juvenile polyposis syndrome. Last evaluated: 2025-04-24. Review status: criteria provided, single submitter. Criteria: Invitae Variant Classification Sherloc (09022015). Collection method: clinical testing. Allele origin: germline.
Comment: This sequence change replaces isoleucine, which is neutral and non-polar, with serine, which is neutral and polar, at codon 151 of the BMPR1A protein (p.Ile151Ser). This variant is not present in population databases (gnomAD no frequency). This variant has not been reported in the literature in individuals affected with BMPR1A-related conditions. ClinVar contains an entry for this variant (Variation ID: 2565021). Invitae Evidence Modeling of protein sequence and biophysical properties (such as structural, functional, and spatial information, amino acid conservation, physicochemical variation, residue mobility, and thermodynamic stability) indicates that this missense variant is not expected to disrupt BMPR1A protein function with a negative predictive value of 80%. In summary, the available evidence is currently insufficient to determine the role of this variant in disease. Therefore, it has been classified as a Variant of Uncertain Significance.

Ambry Genetics
Classification: Uncertain significance for Hereditary cancer-predisposing syndrome. Last evaluated: 2023-04-13. Review status: criteria provided, single submitter. Criteria: Ambry Variant Classification Scheme 2023. Collection method: clinical testing. Allele origin: germline.
Comment: The p.I151S variant (also known as c.452T>G), located in coding exon 5 of the BMPR1A gene, results from a T to G substitution at nucleotide position 452. The isoleucine at codon 151 is replaced by serine, an amino acid with dissimilar properties. This amino acid position is conserved. In addition, this alteration is predicted to be tolerated by in silico analysis. Since supporting evidence is limited at this time, the clinical significance of this alteration remains unclear.